The following is an entry in ClinVar:

ClinVar aggregate classification (germline): Uncertain significance (1 of 4 stars; one submission).

Conditions:
Hereditary cancer-predisposing syndrome. Also called: Neoplastic Syndromes, Hereditary; Tumor predisposition; Hereditary Cancer Syndrome; Hereditary neoplastic syndrome. Identifiers: Orphanet 140162, MedGen C0027672, MeSH D009386, MONDO:0015356.

Submission:

Ambry Genetics
Classification: Uncertain significance for Hereditary cancer-predisposing syndrome. Last evaluated: 2022-09-20. Review status: criteria provided, single submitter. Criteria: Ambry Variant Classification Scheme 2023. Collection method: clinical testing. Allele origin: germline.
Comment: The p.G568R variant (also known as c.1702G>A), located in coding exon 11 of the RAD50 gene, results from a G to A substitution at nucleotide position 1702. The glycine at codon 568 is replaced by arginine, an amino acid with dissimilar properties. This amino acid position is conserved. In addition, the in silico prediction for this alteration is inconclusive. Since supporting evidence is limited at this time, the clinical significance of this alteration remains unclear.

NM_005732.4(RAD50):c.1702G>A (p.Gly568Arg)

Gene: RAD50 (RAD50 double strand break repair protein; plus strand). Cytogenetic location: 5q31.1.
Variant type: single nucleotide variant.
Coding change: c.1702G>A on transcript NM_005732.4 (MANE Select); coding-DNA position 1702, G replaced by A.
Protein change: p.Gly568Arg; replaces glycine 568 with arginine.
Molecular consequence: missense variant.
Genome position (GRCh38, 1-based): chr5:132,591,943, G>A. VCF-style: chr5-132591943-G-A. GRCh37 (hg19) VCF-style: chr5-131927635-G-A.
Other names: short protein forms G568R.
Identifiers: ClinVar variation 1778380 (VCV001778380.2), dbSNP rs1268505015, ClinGen allele CA360946461.